The following is an entry in ClinVar:

ClinVar aggregate classification (germline): Benign (0 of 4 stars; one submission).

Conditions:
MUC16-related disorder. Also called: MUC16-related condition.

Submission:

PreventionGenetics, part of Exact Sciences
Classification: Benign for MUC16-related condition. Last evaluated: 2019-06-06. Review status: no assertion criteria provided. Collection method: clinical testing. Allele origin: germline.
Comment: This variant is classified as benign based on ACMG/AMP sequence variant interpretation guidelines (Richards et al. 2015 PMID: 25741868, with internal and published modifications).

NM_001401501.2(MUC16):c.39465A>G (p.Gly13155=)

Gene: MUC16 (mucin 16, cell surface associated; minus strand). Cytogenetic location: 19p13.2.
Variant type: single nucleotide variant.
Coding change: c.39465A>G on transcript NM_001401501.2 (MANE Select); coding-DNA position 39465, A replaced by G.
Protein change: p.Gly13155=; no amino-acid change (glycine 13155 retained).
Molecular consequence: synonymous variant.
Genome position (GRCh38, 1-based): chr19:8,897,597, T>C on the plus strand (A>G on the coding strand, the complement: MUC16 is on the minus strand). VCF-style: chr19-8897597-T-C. GRCh37 (hg19) VCF-style: chr19-9008273-T-C.
Other names: c.39891A>G, p.Gly13297= (NM_001414686.1); c.39345A>G, p.Gly13115= (NM_001414687.1); c.39279A>G, p.Gly13093= (NM_024690.2).
Identifiers: ClinVar variation 3044904 (VCV003044904.2), dbSNP rs1334457936, ClinGen allele CA505285847.